The following is an entry in ClinVar:

ClinVar aggregate classification (germline): Uncertain significance (1 of 4 stars; one submission).

Allele frequency attached by ClinVar (database versions not stated): gnomAD exomes below 0.00001.
gnomAD v4.1: 1 of 1,614,182 alleles (0.000062%); highest among the groups gnomAD compares: South Asian, 0.0011%; no homozygotes.

Submission:

Labcorp Genetics (formerly Invitae), Labcorp
Classification: Uncertain significance. Last evaluated: 2023-03-23. Review status: criteria provided, single submitter. Criteria: Invitae Variant Classification Sherloc (09022015). Collection method: clinical testing. Allele origin: germline.
Comment: This sequence change replaces histidine, which is basic and polar, with glutamine, which is neutral and polar, at codon 889 of the RNF31 protein (p.His889Gln). This variant is not present in population databases (gnomAD no frequency). This variant has not been reported in the literature in individuals affected with RNF31-related conditions. An algorithm developed to predict the effect of missense changes on protein structure and function (PolyPhen-2) suggests that this variant is likely to be tolerated. In summary, the available evidence is currently insufficient to determine the role of this variant in disease. Therefore, it has been classified as a Variant of Uncertain Significance.

NM_017999.5(RNF31):c.2667C>G (p.His889Gln)

Gene: RNF31 (ring finger protein 31; plus strand). Cytogenetic location: 14q12.
Variant type: single nucleotide variant.
Coding change: c.2667C>G on transcript NM_017999.5 (MANE Select); coding-DNA position 2667, C replaced by G.
Protein change: p.His889Gln; replaces histidine 889 with glutamine.
Molecular consequence: missense variant.
Genome position (GRCh38, 1-based): chr14:24,157,578, C>G. VCF-style: chr14-24157578-C-G. GRCh37 (hg19) VCF-style: chr14-24626787-C-G.
Other names: c.2214C>G, p.His738Gln (NM_001310332.2); short protein forms H738Q, H889Q.
Identifiers: ClinVar variation 2848935 (VCV002848935.3), dbSNP rs2502019676, ClinGen allele CA389306119.
Genomic context (GRCh38, chr14:24,157,578, plus strand): 5'-AGACTGCCCCAAATGCAAGTTCTCGTACGCCCTGGCCCGAGGAGGCTGCATGCACTTTCA[C>G]TGTACCCAGTGCCGCCACCAGTTCTGCAGCGGCTGCTACAATGCCTTTTACGCCAAGAAT-3'
Protein context (NP_060469.4, residues 879-899): ALARGGCMHF[His889Gln]CTQCRHQFCS